The following is an entry in ClinVar:

ClinVar aggregate classification (germline): Uncertain significance (1 of 4 stars; one submission).

Submission:

GeneDx
Classification: Uncertain significance. Last evaluated: 2023-10-20. Review status: criteria provided, single submitter. Criteria: GeneDx Variant Classification Process June 2021. Collection method: clinical testing. Allele origin: germline. Affected: yes.
Comment: Not observed at significant frequency in large population cohorts (gnomAD); In silico analysis supports that this missense variant has a deleterious effect on protein structure/function; Has not been previously published as pathogenic or benign to our knowledge

NM_001394998.1(TANC2):c.3199C>G (p.Gln1067Glu)

Genes: TANC2 (tetratricopeptide repeat, ankyrin repeat and coiled-coil containing 2; plus strand), LOC105371856 (uncharacterized LOC105371856; minus strand). Cytogenetic location: 17q23.3.
Variant type: single nucleotide variant.
Coding change: c.3199C>G on transcript NM_001394998.1 (MANE Select); coding-DNA position 3199, C replaced by G.
Protein change: p.Gln1067Glu; replaces glutamine 1067 with glutamic acid.
Molecular consequence: missense variant.
Genome position (GRCh38, 1-based): chr17:63,395,890, C>G. VCF-style: chr17-63395890-C-G. GRCh37 (hg19) VCF-style: chr17-61473251-C-G.
Other names: c.2977C>G, p.Gln993Glu (NM_001411076.1, NM_025185.4); short protein forms Q1067E, Q993E.
Identifiers: ClinVar variation 2581918 (VCV002581918.2), dbSNP rs2510284935, ClinGen allele CA400533747.